The following is an entry in ClinVar:

NM_001166114.2(PNPLA6):c.3984del (p.Ser1329fs)

Gene: PNPLA6 (patatin like domain 6, lysophospholipase; plus strand). Cytogenetic location: 19p13.2.
Variant type: Deletion.
Coding change: c.3984del on transcript NM_001166114.2 (MANE Select); coding-DNA position 3984, one base deleted (G; older notation c.3984delG).
Protein change: p.Ser1329fs; shifts the reading frame from serine 1329.
Molecular consequence: frameshift variant.
Genome position (GRCh38, 1-based): chr19:7,561,278, G deleted; the last of 6 consecutive G bases (chr19:7,561,273-7,561,278); deleting any one gives the same sequence. VCF-style (leftmost placement, unchanged base first): chr19-7561272-AG-A. GRCh37 (hg19) VCF-style: chr19-7626158-AG-A.
Other names: c.4014del, p.Ser1339fs (NM_001166111.2); c.3789del, p.Ser1264fs (NM_001166112.2); c.3870del, p.Ser1291fs (NM_001166113.1, NM_006702.5); short protein forms S1291fs, S1264fs, S1329fs, S1339fs.
Identifiers: ClinVar variation 4701499 (VCV004701499.1).

ClinVar aggregate classification (germline): Pathogenic (1 of 4 stars; one submission).

Conditions:
Hereditary spastic paraplegia 39 (SPG39). Also called: Spastic Paraplegia Type 39 (SPG39); SPASTIC PARAPLEGIA 39, AUTOSOMAL RECESSIVE. Identifiers: Orphanet 139480, MedGen C2677586, MONDO:0012787, OMIM 612020.

Submission:

Labcorp Genetics (formerly Invitae), Labcorp
Classification: Pathogenic for Hereditary spastic paraplegia 39. Last evaluated: 2025-12-08. Review status: criteria provided, single submitter. Criteria: Invitae Variant Classification Sherloc (09022015). Collection method: clinical testing. Allele origin: germline.
Comment: This sequence change is expected to alter the c-terminus of the PNPLA6 protein (p.Ser1291Profs*71). While this is not anticipated to result in nonsense mediated decay, it is expected to disrupt the last 37 amino acid(s) of the PNPLA6 protein and extend the protein by 33 additional amino acid residues. This variant is not present in population databases (gnomAD no frequency). This variant has not been reported in the literature in individuals affected with PNPLA6-related conditions. This variant disrupts a region of the PNPLA6 protein in which other variant(s) (p.Arg1313*) have been determined to be pathogenic (PMID: 29248984, 30555943). This suggests that this is a clinically significant region of the protein, and that variants that disrupt it are likely to be disease-causing. For these reasons, this variant has been classified as Pathogenic.

Literature cited by the submitters: PubMed 29248984; PubMed 30555943.